The following is an entry in ClinVar:

NM_000179.3(MSH6):c.4006G>A (p.Val1336Ile)

Gene: MSH6 (mutS homolog 6; plus strand). Cytogenetic location: 2p16.3.
Variant type: single nucleotide variant.
Coding change: c.4006G>A on transcript NM_000179.3 (MANE Select); coding-DNA position 4006, G replaced by A.
Protein change: p.Val1336Ile; replaces valine 1336 with isoleucine.
Molecular consequence: missense variant.
Genome position (GRCh38, 1-based): chr2:47,806,783, G>A. VCF-style: chr2-47806783-G-A. GRCh37 (hg19) VCF-style: chr2-48033922-G-A.
Other names: c.3616G>A, p.Val1206Ile (NM_001281492.2); c.3100G>A, p.Val1034Ile (NM_001281493.2, NM_001281494.2); c.4006G>A (NM_000179.2); short protein forms V1206I, V1336I, V1034I.
Identifiers: ClinVar variation 1487610 (VCV001487610.8), dbSNP rs771181616, ClinGen allele CA072783.

ClinVar aggregate classification (germline): Uncertain significance. Review status: criteria provided, multiple submitters, no conflicts (2 of 4 stars). 2 submissions from 2 submitters: Uncertain significance (2). Last evaluated 2023-05-31.

Conditions:
Hereditary cancer-predisposing syndrome. Also called: Hereditary neoplastic syndrome; Neoplastic Syndromes, Hereditary; Hereditary Cancer Syndrome; Tumor predisposition. Identifiers: Orphanet 140162, MedGen C0027672, MeSH D009386, MONDO:0015356.
Hereditary nonpolyposis colorectal neoplasms. Identifiers: MedGen C0009405, MeSH D003123.

Allele frequency attached by ClinVar (database versions not stated): gnomAD exomes below 0.00001; ExAC 0.00001.

Submissions (2):

Ambry Genetics
Classification: Uncertain significance for Hereditary cancer-predisposing syndrome. Last evaluated: 2023-05-31. Review status: criteria provided, single submitter. Criteria: Ambry Variant Classification Scheme 2023. Collection method: clinical testing. Allele origin: germline.
Comment: The p.V1336I variant (also known as c.4006G>A), located in coding exon 10 of the MSH6 gene, results from a G to A substitution at nucleotide position 4006. The valine at codon 1336 is replaced by isoleucine, an amino acid with highly similar properties. This amino acid position is conserved. In addition, the in silico prediction for this alteration is inconclusive. Since supporting evidence is limited at this time, the clinical significance of this alteration remains unclear.

Labcorp Genetics (formerly Invitae), Labcorp
Classification: Uncertain significance for Hereditary nonpolyposis colorectal neoplasms. Last evaluated: 2021-10-21. Review status: criteria provided, single submitter. Criteria: Invitae Variant Classification Sherloc (09022015). Collection method: clinical testing. Allele origin: germline.
Comment: In summary, the available evidence is currently insufficient to determine the role of this variant in disease. Therefore, it has been classified as a Variant of Uncertain Significance. Advanced modeling of protein sequence and biophysical properties (such as structural, functional, and spatial information, amino acid conservation, physicochemical variation, residue mobility, and thermodynamic stability) performed at Invitae indicates that this missense variant is not expected to disrupt MSH6 protein function. This variant has not been reported in the literature in individuals affected with MSH6-related conditions. This variant is present in population databases (rs771181616, ExAC 0.002%). This sequence change replaces valine with isoleucine at codon 1336 of the MSH6 protein (p.Val1336Ile). The valine residue is weakly conserved and there is a small physicochemical difference between valine and isoleucine.